The following is an entry in ClinVar:

ClinVar aggregate classification (germline): Uncertain significance (1 of 4 stars; one submission).

Conditions:
Congenital disorder of glycosylation, type Ii. Also called: ALG2-congenital disorder of glycosylation; CDG Ii; ALG2-CDG. Identifiers: Orphanet 79326, MedGen C1842836, MONDO:0011933, OMIM 607906.
Congenital myasthenic syndrome 14. Also called: Myasthenic syndrome, congenital, 14, with tubular aggregates. Identifiers: Orphanet 353327, Orphanet 590, MedGen C4015597, MONDO:0014543, OMIM 616228.

Submission:

Labcorp Genetics (formerly Invitae), Labcorp
Classification: Uncertain significance for Congenital disorder of glycosylation, type Ii; Congenital myasthenic syndrome 14. Last evaluated: 2025-04-17. Review status: criteria provided, single submitter. Criteria: Invitae Variant Classification Sherloc (09022015). Collection method: clinical testing. Allele origin: germline.
Comment: This sequence change replaces leucine, which is neutral and non-polar, with valine, which is neutral and non-polar, at codon 38 of the ALG2 protein (p.Leu38Val). This variant is not present in population databases (gnomAD no frequency). This variant has not been reported in the literature in individuals affected with ALG2-related conditions. An algorithm developed to predict the effect of missense changes on protein structure and function (PolyPhen-2) suggests that this variant is likely to be tolerated. In summary, the available evidence is currently insufficient to determine the role of this variant in disease. Therefore, it has been classified as a Variant of Uncertain Significance.

NM_033087.4(ALG2):c.112C>G (p.Leu38Val)

Gene: ALG2 (ALG2 alpha-1,3/1,6-mannosyltransferase; minus strand). Cytogenetic location: 9q22.33.
Variant type: single nucleotide variant.
Coding change: c.112C>G on transcript NM_033087.4 (MANE Select); coding-DNA position 112, C replaced by G.
Protein change: p.Leu38Val; replaces leucine 38 with valine.
Molecular consequence: missense variant. On other transcripts: non-coding transcript variant (1).
Genome position (GRCh38, 1-based): chr9:99,221,783, G>C on the plus strand (C>G on the coding strand, the complement: ALG2 is on the minus strand). VCF-style: chr9-99221783-G-C. GRCh37 (hg19) VCF-style: chr9-101984065-G-C.
Other names: short protein forms L38V.
Identifiers: ClinVar variation 4788527 (VCV004788527.1).
Genomic context (GRCh38, chr9:99,221,783, plus strand): 5'-GGCCCGGGTCGTAGTGCGCTGTCCAGATCTTCACGCTACACCCGCGCGCCTGCAGCGCCA[G>C]CGCCGCGTCCAACACCAGCCGCTCAGCGCCGCCCACGCCCAGGTCTGGGTGGAGGAACAG-3'
Protein context (NP_149078.1, residues 28-48): GAERLVLDAA[Leu38Val]ALQARGCSVK